The following is an entry in ClinVar:

NM_006017.3(PROM1):c.835A>G (p.Ser279Gly)

Gene: PROM1 (prominin 1; minus strand). Cytogenetic location: 4p15.32.
Variant type: single nucleotide variant.
Coding change: c.835A>G on transcript NM_006017.3 (MANE Select); coding-DNA position 835, A replaced by G.
Protein change: p.Ser279Gly; replaces serine 279 with glycine.
Molecular consequence: missense variant.
Genome position (GRCh38, 1-based): chr4:16,018,490, T>C on the plus strand (A>G on the coding strand, the complement: PROM1 is on the minus strand). VCF-style: chr4-16018490-T-C. GRCh37 (hg19) VCF-style: chr4-16020113-T-C.
Other names: c.808A>G, p.Ser270Gly (NM_001145847.2, NM_001145848.2, NM_001145851.2 and 4 more transcripts); c.835A>G, p.Ser279Gly (NM_001145849.2, NM_001145850.2); short protein forms S270G, S279G.
Identifiers: ClinVar variation 1011610 (VCV001011610.8), dbSNP rs934667000, ClinGen allele CA92563133.

ClinVar aggregate classification (germline): Uncertain significance (1 of 4 stars; one submission).

Allele frequency attached by ClinVar (database versions not stated): gnomAD exomes below 0.00001.
gnomAD v4.1: 2 of 1,612,818 alleles (0.00012%); highest among the groups gnomAD compares: Middle Eastern, 0.019%; no homozygotes.

Submission:

Labcorp Genetics (formerly Invitae), Labcorp
Classification: Uncertain significance. Last evaluated: 2020-10-06. Review status: criteria provided, single submitter. Criteria: Invitae Variant Classification Sherloc (09022015). Collection method: clinical testing. Allele origin: germline.
Comment: This sequence change replaces serine with glycine at codon 279 of the PROM1 protein (p.Ser279Gly). The serine residue is weakly conserved and there is a small physicochemical difference between serine and glycine. This variant is not present in population databases (ExAC no frequency). This variant has not been reported in the literature in individuals with PROM1-related conditions. Algorithms developed to predict the effect of missense changes on protein structure and function (SIFT, PolyPhen-2, Align-GVGD) all suggest that this variant is likely to be tolerated, but these predictions have not been confirmed by published functional studies and their clinical significance is uncertain. In summary, the available evidence is currently insufficient to determine the role of this variant in disease. Therefore, it has been classified as a Variant of Uncertain Significance.